The following is an entry in ClinVar:

NM_017950.4(CCDC40):c.3245G>A (p.Arg1082His)

Gene: CCDC40 (coiled-coil domain 40 molecular ruler complex subunit; plus strand). Cytogenetic location: 17q25.3.
Variant type: single nucleotide variant.
Coding change: c.3245G>A on transcript NM_017950.4 (MANE Select); coding-DNA position 3245, G replaced by A.
Protein change: p.Arg1082His; replaces arginine 1082 with histidine.
Molecular consequence: missense variant.
Genome position (GRCh38, 1-based): chr17:80,099,591, G>A. VCF-style: chr17-80099591-G-A. GRCh37 (hg19) VCF-style: chr17-78073390-G-A.
Other names: short protein forms R1082H.
Identifiers: ClinVar variation 325748 (VCV000325748.12), dbSNP rs773033304, ClinGen allele CA8814681.

ClinVar aggregate classification (germline): Conflicting classifications of pathogenicity. Review status: criteria provided, conflicting classifications (1 of 4 stars). 3 submissions from 3 submitters: Uncertain significance (2); Likely benign (1). Last evaluated 2023-05-22.

Conditions:
Primary ciliary dyskinesia. Also called: Ciliary dyskinesia. Identifiers: Orphanet 244, MedGen C0008780, MONDO:0016575, HP:0012265.
Primary ciliary dyskinesia 15. Also called: CILIARY DYSKINESIA, PRIMARY, 15, WITH OR WITHOUT SITUS INVERSUS. Identifiers: Orphanet 244, MedGen C3151137, MONDO:0013435, OMIM 613808.

Allele frequency attached by ClinVar (database versions not stated): gnomAD 0.00001 and 0.00006; TOPMed 0.00001; gnomAD exomes 0.00024; ExAC 0.00027.
gnomAD v4.1: 187 of 1,613,388 alleles (0.012%); highest among the groups gnomAD compares: South Asian, 0.19%; 3 homozygotes.

Submissions (3):

Ambry Genetics
Classification: Likely benign for Primary ciliary dyskinesia. Last evaluated: 2023-05-22. Review status: criteria provided, single submitter. Criteria: Ambry Variant Classification Scheme 2023. Collection method: clinical testing. Allele origin: germline.

Labcorp Genetics (formerly Invitae), Labcorp
Classification: Uncertain significance for Primary ciliary dyskinesia. Last evaluated: 2022-08-09. Review status: criteria provided, single submitter. Criteria: Invitae Variant Classification Sherloc (09022015). Collection method: clinical testing. Allele origin: germline.
Comment: This sequence change replaces arginine, which is basic and polar, with histidine, which is basic and polar, at codon 1082 of the CCDC40 protein (p.Arg1082His). The frequency data for this variant in the population databases is considered unreliable, as metrics indicate poor data quality at this position in the gnomAD database. This variant has not been reported in the literature in individuals affected with CCDC40-related conditions. ClinVar contains an entry for this variant (Variation ID: 325748). Algorithms developed to predict the effect of missense changes on protein structure and function are either unavailable or do not agree on the potential impact of this missense change (SIFT: "Deleterious"; PolyPhen-2: "Probably Damaging"; Align-GVGD: "Class C0"). In summary, the available evidence is currently insufficient to determine the role of this variant in disease. Therefore, it has been classified as a Variant of Uncertain Significance.

Illumina Laboratory Services, Illumina
Classification: Uncertain significance for Primary ciliary dyskinesia 15. Last evaluated: 2018-01-12. Review status: criteria provided, single submitter. Criteria: ICSL Variant Classification Criteria 13 December 2019. Collection method: clinical testing. Allele origin: germline.